The following is an entry in ClinVar:

NM_001130438.3(SPTAN1):c.2951G>A (p.Arg984Gln)

Gene: SPTAN1 (spectrin alpha, non-erythrocytic 1; plus strand). Cytogenetic location: 9q34.11.
Variant type: single nucleotide variant.
Coding change: c.2951G>A on transcript NM_001130438.3 (MANE Select); coding-DNA position 2951, G replaced by A.
Protein change: p.Arg984Gln; replaces arginine 984 with glutamine.
Molecular consequence: missense variant.
Genome position (GRCh38, 1-based): chr9:128,588,888, G>A. VCF-style: chr9-128588888-G-A. GRCh37 (hg19) VCF-style: chr9-131351167-G-A.
Other names: c.2951G>A, p.Arg984Gln (NM_001195532.2, NM_001363759.2, NM_001363765.2 and 1 more transcripts); short protein forms R984Q.
Identifiers: ClinVar variation 381700 (VCV000381700.5), dbSNP rs1057521149, ClinGen allele CA16605516.

ClinVar aggregate classification (germline): Conflicting classifications of pathogenicity. Review status: criteria provided, conflicting classifications (1 of 4 stars). 3 submissions from 3 submitters: Uncertain significance (2); Likely benign (1). Last evaluated 2024-10-01.

Conditions:
Early-infantile DEE. Also called: Ohtahara syndrome; Early infantile epileptic encephalopathy with suppression bursts; Early infantile epileptic encephalopathy. Identifiers: Orphanet 1934, MedGen C0393706, MONDO:0800491.
Inborn genetic diseases. Identifiers: MedGen C0950123, MeSH D030342.

Allele frequency attached by ClinVar (database versions not stated): gnomAD exomes below 0.00001.
gnomAD v4.1: 4 of 1,614,150 alleles (0.00025%); highest among the groups gnomAD compares: Non-Finnish European, 0.00034%; no homozygotes.

Submissions (3):

Labcorp Genetics (formerly Invitae), Labcorp
Classification: Uncertain significance for Early-infantile DEE. Last evaluated: 2024-10-01. Review status: criteria provided, single submitter. Criteria: Invitae Variant Classification Sherloc (09022015). Collection method: clinical testing. Allele origin: germline.
Comment: This sequence change replaces arginine, which is basic and polar, with glutamine, which is neutral and polar, at codon 984 of the SPTAN1 protein (p.Arg984Gln). This variant is not present in population databases (gnomAD no frequency). This variant has not been reported in the literature in individuals affected with SPTAN1-related conditions. ClinVar contains an entry for this variant (Variation ID: 381700). Invitae Evidence Modeling of protein sequence and biophysical properties (such as structural, functional, and spatial information, amino acid conservation, physicochemical variation, residue mobility, and thermodynamic stability) has been performed for this missense variant. However, the output from this modeling did not meet the statistical confidence thresholds required to predict the impact of this variant on SPTAN1 protein function. In summary, the available evidence is currently insufficient to determine the role of this variant in disease. Therefore, it has been classified as a Variant of Uncertain Significance.

Ambry Genetics
Classification: Uncertain significance for Inborn genetic diseases. Last evaluated: 2024-04-01. Review status: criteria provided, single submitter. Criteria: Ambry Variant Classification Scheme 2023. Collection method: clinical testing. Allele origin: germline.

GeneDx
Classification: Likely benign. Last evaluated: 2016-05-04. Review status: criteria provided, single submitter. Criteria: GeneDx Variant Classification (06012015). Collection method: clinical testing. Allele origin: germline. Affected: yes.
Comment: This variant is considered likely benign or benign based on one or more of the following criteria: it is a conservative change, it occurs at a poorly conserved position in the protein, it is predicted to be benign by multiple in silico algorithms, and/or has population frequency not consistent with disease.